The following is an entry in ClinVar:

ClinVar aggregate classification (germline): Uncertain significance. Review status: criteria provided, multiple submitters, no conflicts (2 of 4 stars). 2 submissions from 2 submitters: Uncertain significance (2). Last evaluated 2023-09-20.

Conditions:
Inborn genetic diseases. Identifiers: MedGen C0950123, MeSH D030342.
Neuronal ceroid lipofuscinosis. Also called: Neuronal Ceroid Lipofuscinoses. Identifiers: Orphanet 216, Orphanet 79263, MedGen C0027877, MONDO:0016295. Disease mechanism: loss of function.

Allele frequency attached by ClinVar (database versions not stated): TOPMed below 0.00001.

Submissions (2):

Ambry Genetics
Classification: Uncertain significance for Inborn genetic diseases. Last evaluated: 2023-09-20. Review status: criteria provided, single submitter. Criteria: Ambry Variant Classification Scheme 2023. Collection method: clinical testing. Allele origin: germline.

Labcorp Genetics (formerly Invitae), Labcorp
Classification: Uncertain significance for Neuronal ceroid lipofuscinosis. Last evaluated: 2022-08-15. Review status: criteria provided, single submitter. Criteria: Invitae Variant Classification Sherloc (09022015). Collection method: clinical testing. Allele origin: germline.
Comment: This sequence change replaces isoleucine, which is neutral and non-polar, with methionine, which is neutral and non-polar, at codon 13 of the CLN8 protein (p.Ile13Met). This variant is not present in population databases (gnomAD no frequency). This variant has not been reported in the literature in individuals affected with CLN8-related conditions. ClinVar contains an entry for this variant (Variation ID: 967435). Advanced modeling of protein sequence and biophysical properties (such as structural, functional, and spatial information, amino acid conservation, physicochemical variation, residue mobility, and thermodynamic stability) performed at Invitae indicates that this missense variant is not expected to disrupt CLN8 protein function. In summary, the available evidence is currently insufficient to determine the role of this variant in disease. Therefore, it has been classified as a Variant of Uncertain Significance.

NM_018941.4(CLN8):c.39T>G (p.Ile13Met)

Gene: CLN8 (CLN8 transmembrane ER and ERGIC protein; plus strand). Cytogenetic location: 8p23.3.
Variant type: single nucleotide variant.
Coding change: c.39T>G on transcript NM_018941.4 (MANE Select); coding-DNA position 39, T replaced by G.
Protein change: p.Ile13Met; replaces isoleucine 13 with methionine.
Molecular consequence: missense variant.
Genome position (GRCh38, 1-based): chr8:1,771,093, T>G. VCF-style: chr8-1771093-T-G. GRCh37 (hg19) VCF-style: chr8-1719259-T-G.
Other names: short protein forms I13M.
Identifiers: ClinVar variation 967435 (VCV000967435.5), dbSNP rs1801279215, ClinGen allele CA369952758.